The following is an entry in ClinVar:

NM_001352514.2(HLCS):c.1621-13_1621-10del

Gene: HLCS (holocarboxylase synthetase; minus strand). Cytogenetic location: 21q22.13.
Variant type: Microsatellite.
Coding change: c.1621-13_1621-10del on transcript NM_001352514.2 (MANE Select); 13 bases into the intron before coding-DNA position 1621 through 10 bases into the intron before coding-DNA position 1621, 4 bases deleted (CTTT; older notation c.1621-13_1621-10delCTTT).
Molecular consequence: intron variant.
Genome position (GRCh38, 1-based): chr21:36,897,141-36,897,144, AAAG deleted on the plus strand (CTTT on the coding strand, the reverse complement: HLCS is on the minus strand); deleting any 4 consecutive bases within chr21:36,897,141-36,897,151 gives the same sequence; the c. name uses the placement nearest the transcript's 3' end. VCF-style (leftmost placement, unchanged base first): chr21-36897140-TAAAG-T. GRCh37 (hg19) VCF-style: chr21-38269440-TAAAG-T.
Other names: c.1180-13_1180-10del (NM_001352517.1, NM_001242785.2, NM_001352515.2 and 4 more transcripts); c.1180-13_1180-10delCTTT (NM_000411.6).
Identifiers: ClinVar variation 203769 (VCV000203769.39), dbSNP rs377641674, ClinGen allele CA312621.
Genomic context (GRCh38, chr21:36,897,140, plus strand): 5'-CCTCGGAGTCCACATGTTTCCCAAGCCACTGCATAAGAGGATCCCTGATTTCCTGTGTCA[TAAAG>T]AAAGAAATGAGATGGTCGTAATTTGGCATTACATTAGATCATGGTAGCTTTTCCTTATAA-3'

ClinVar aggregate classification (germline): Benign/Likely benign. Review status: criteria provided, multiple submitters, no conflicts (2 of 4 stars). 4 submissions from 4 submitters: Benign (2); Likely benign (1). 1 of the submissions does not count toward it. Last evaluated 2026-01-30.

Conditions:
Holocarboxylase synthetase deficiency. Also called: MULTIPLE CARBOXYLASE DEFICIENCY, EARLY ONSET. Identifiers: Orphanet 79242, MedGen C0268581, MONDO:0009666, OMIM 253270.

Submissions (4):

Labcorp Genetics (formerly Invitae), Labcorp
Classification: Benign for Holocarboxylase synthetase deficiency. Last evaluated: 2026-01-30. Review status: criteria provided, single submitter. Criteria: Invitae Variant Classification Sherloc (09022015). Collection method: clinical testing. Allele origin: germline.

CeGaT Center for Human Genetics Tuebingen
Classification: Likely benign. Last evaluated: 2023-01-01. Review status: criteria provided, single submitter. Criteria: CeGaT Center For Human Genetics Tuebingen Variant Classification Criteria Version 2. Collection method: clinical testing. Allele origin: germline. Affected: yes. Observed: 1 variant allele.
Comment: HLCS: BS1

GeneDx
Classification: Benign. Last evaluated: 2014-10-17. Review status: criteria provided, single submitter. Criteria: GeneDx Variant Classification (06012015). Collection method: clinical testing. Allele origin: germline. Affected: yes.
Comment: The variant is found in MITONUC-MITOP panel(s).

Natera, Inc.
Classification: Likely benign for Holocarboxylase synthetase deficiency. Last evaluated: 2019-09-27. Review status: no assertion criteria provided. Collection method: clinical testing. Allele origin: germline. Not counted in ClinVar's aggregate classification.